The following is an entry in ClinVar:

ClinVar aggregate classification (germline): Likely pathogenic (1 of 4 stars; one submission).

Conditions:
Familial adenomatous polyposis 1 (FAP1). Also called: POLYPOSIS, ADENOMATOUS INTESTINAL; FAMILIAL ADENOMATOUS POLYPOSIS 1, ATTENUATED. Identifiers: MedGen C2713442, MONDO:0021056, OMIM 175100. Disease mechanism: loss of function.

Submission:

Human Genetics Bochum, Ruhr University Bochum
Classification: Likely pathogenic for Familial adenomatous polyposis 1. Last evaluated: 2023-09-28. Review status: criteria provided, single submitter. Criteria: ACMG Guidelines, 2015. Collection method: clinical testing. Allele origin: germline. Affected: yes.
Comment: ACMG criteria used to clasify this variant:PVS1, PM2_SUP

NM_000038.6(APC):c.339del (p.Pro114fs)

Gene: APC (APC regulator of Wnt signaling pathway; plus strand). Cytogenetic location: 5q22.2.
Variant type: Deletion.
Coding change: c.339del on transcript NM_000038.6 (MANE Select); coding-DNA position 339, one base deleted (T; older notation c.339delT).
Protein change: p.Pro114fs; shifts the reading frame from proline 114.
Molecular consequence: frameshift variant. On other transcripts: 5 prime UTR variant (4), non-coding transcript variant (2).
Genome position (GRCh38, 1-based): chr5:112,767,307, T deleted; the last of 2 consecutive T bases (chr5:112,767,306-112,767,307); deleting either gives the same sequence. VCF-style (leftmost placement, unchanged base first): chr5-112767305-GT-G. GRCh37 (hg19) VCF-style: chr5-112103002-GT-G.
Other names: c.339del, p.Pro114fs (NM_001127510.3, NM_001354895.2, NM_001354896.2 and 16 more transcripts); c.369del, p.Pro124fs (NM_001127511.3, NM_001354897.2, NM_001354902.2 and 1 more transcripts); c.264del, p.Pro89fs (NM_001354898.2, NM_001354904.2, NM_001407451.1); c.162del, p.Pro55fs (NM_001354900.2, NM_001354901.2, NM_001354905.2 and 1 more transcripts); c.-697del (NM_001354906.2, NM_001407470.1, NM_001407471.1 and 1 more transcripts); short protein forms P114fs, P124fs, P55fs, P89fs.
Identifiers: ClinVar variation 2583153 (VCV002583153.1), dbSNP rs2532297994, ClinGen allele CA2582341299.